The following is an entry in ClinVar:

NM_145207.3(AFG2A):c.1855A>C (p.Ile619Leu)

Gene: AFG2A (AFG2 AAA ATPase homolog A; plus strand). Cytogenetic location: 4q28.1.
Variant type: single nucleotide variant.
Coding change: c.1855A>C on transcript NM_145207.3 (MANE Select); coding-DNA position 1855, A replaced by C.
Protein change: p.Ile619Leu; replaces isoleucine 619 with leucine.
Molecular consequence: missense variant.
Genome position (GRCh38, 1-based): chr4:122,979,372, A>C. VCF-style: chr4-122979372-A-C. GRCh37 (hg19) VCF-style: chr4-123900527-A-C.
Other names: c.1852A>C, p.Ile618Leu (NM_001317799.2, NM_001345856.2); short protein forms I619L, I618L.
Identifiers: ClinVar variation 1428215 (VCV001428215.6), dbSNP rs1434744773, ClinGen allele CA358093753.

ClinVar aggregate classification (germline): Uncertain significance (1 of 4 stars; one submission).

Conditions:
Microcephaly-intellectual disability-sensorineural hearing loss-epilepsy-abnormal muscle tone syndrome (NEDHSB). Also called: NEURODEVELOPMENTAL DISORDER WITH HEARING LOSS, SEIZURES, AND BRAIN ABNORMALITIES. Identifiers: Orphanet 457351, MedGen C4225276, MONDO:0014698, OMIM 616577.

Allele frequency attached by ClinVar (database versions not stated): gnomAD exomes below 0.00001; TOPMed 0.00001; gnomAD 0.00003.
gnomAD v4.1: 6 of 1,614,010 alleles (0.00037%); highest among the groups gnomAD compares: Middle Eastern, 0.016%; no homozygotes.

Submission:

Labcorp Genetics (formerly Invitae), Labcorp
Classification: Uncertain significance for Microcephaly-intellectual disability-sensorineural hearing loss-epilepsy-abnormal muscle tone syndrome. Last evaluated: 2021-05-18. Review status: criteria provided, single submitter. Criteria: Invitae Variant Classification Sherloc (09022015). Collection method: clinical testing. Allele origin: germline.
Comment: This sequence change replaces isoleucine with leucine at codon 619 of the SPATA5 protein (p.Ile619Leu). The isoleucine residue is moderately conserved and there is a small physicochemical difference between isoleucine and leucine. This variant is not present in population databases (ExAC no frequency). In summary, the available evidence is currently insufficient to determine the role of this variant in disease. Therefore, it has been classified as a Variant of Uncertain Significance. Advanced modeling of protein sequence and biophysical properties (such as structural, functional, and spatial information, amino acid conservation, physicochemical variation, residue mobility, and thermodynamic stability) performed at Invitae indicates that this missense variant is not expected to disrupt SPATA5 protein function. This variant has not been reported in the literature in individuals with SPATA5-related conditions.